The following is an entry in ClinVar:

ClinVar aggregate classification (germline): Likely benign (1 of 4 stars; one submission).

gnomAD v4.1: 6 of 1,570,012 alleles (0.00038%); highest among the groups gnomAD compares: African/African-American, 0.0014%; no homozygotes.

Submission:

CeGaT Center for Human Genetics Tuebingen
Classification: Likely benign. Last evaluated: 2025-02-01. Review status: criteria provided, single submitter. Criteria: CeGaT Center For Human Genetics Tuebingen Variant Classification Criteria Version 2. Collection method: clinical testing. Allele origin: germline. Affected: yes. Observed: 1 variant allele.
Comment: ID1: BP4, BP7

NM_002165.4(ID1):c.210C>T (p.Asn70=)

Gene: ID1 (inhibitor of DNA binding 1; plus strand). Cytogenetic location: 20q11.21.
Variant type: single nucleotide variant.
Coding change: c.210C>T on transcript NM_002165.4 (MANE Select); coding-DNA position 210, C replaced by T.
Protein change: p.Asn70=; no amino-acid change (asparagine 70 retained).
Molecular consequence: synonymous variant.
Genome position (GRCh38, 1-based): chr20:31,605,597, C>T. VCF-style: chr20-31605597-C-T. GRCh37 (hg19) VCF-style: chr20-30193400-C-T.
Other names: c.210C>T, p.Asn70= (NM_181353.3).
Identifiers: ClinVar variation 3778380 (VCV003778380.7).